The following is an entry in ClinVar:

ClinVar aggregate classification (germline): Likely pathogenic (1 of 4 stars; one submission).

Allele frequency attached by ClinVar (database versions not stated): ExAC 0.00002.

Submission:

Labcorp Genetics (formerly Invitae), Labcorp
Classification: Likely pathogenic. Last evaluated: 2023-07-31. Review status: criteria provided, single submitter. Criteria: Invitae Variant Classification Sherloc (09022015). Collection method: clinical testing. Allele origin: germline.
Comment: This sequence change affects an acceptor splice site in intron 6 of the MICU1 gene. It is expected to disrupt RNA splicing. Variants that disrupt the donor or acceptor splice site typically lead to a loss of protein function (PMID: 16199547), and loss-of-function variants in MICU1 are known to be pathogenic (PMID: 24336167). In summary, the currently available evidence indicates that the variant is pathogenic, but additional data are needed to prove that conclusively. Therefore, this variant has been classified as Likely Pathogenic. Algorithms developed to predict the effect of sequence changes on RNA splicing suggest that this variant may disrupt the consensus splice site. This variant has not been reported in the literature in individuals affected with MICU1-related conditions. The frequency data for this variant in the population databases is considered unreliable, as metrics indicate poor data quality at this position in the gnomAD database.

Literature cited by the submitters: PubMed 16199547; PubMed 24336167.

NM_001195518.2(MICU1):c.538-2A>G

Gene: MICU1 (mitochondrial calcium uptake 1; minus strand). Cytogenetic location: 10q22.1.
Variant type: single nucleotide variant.
Coding change: c.538-2A>G on transcript NM_001195518.2 (MANE Select); the canonical splice acceptor site of the intron before coding-DNA position 538, A replaced by G.
Molecular consequence: splice acceptor variant. On other transcripts: intron variant (1).
Genome position (GRCh38, 1-based): chr10:72,508,271, T>C on the plus strand (A>G on the coding strand, the complement: MICU1 is on the minus strand). VCF-style: chr10-72508271-T-C. GRCh37 (hg19) VCF-style: chr10-74268029-T-C.
Other names: c.544-2A>G (NM_006077.4); c.556-2A>G (NM_001363513.2); c.58+15531A>G (NM_001195519.2).
Identifiers: ClinVar variation 2748859 (VCV002748859.3), dbSNP rs770541783, ClinGen allele CA5550209.